The following is an entry in ClinVar:

ClinVar aggregate classification (germline): Uncertain significance (1 of 4 stars; one submission).

Conditions:
C3-related disorder. Also called: C3-related condition.

Allele frequency attached by ClinVar (database versions not stated): gnomAD exomes below 0.00001.

Submission:

PreventionGenetics, part of Exact Sciences
Classification: Uncertain significance for C3-related condition. Last evaluated: 2023-05-02. Review status: criteria provided, single submitter. Criteria: ACMG Guidelines, 2015. Collection method: clinical testing. Allele origin: germline.
Comment: The C3 c.1325A>G variant is predicted to result in the amino acid substitution p.Gln442Arg. To our knowledge, this variant has not been reported in the literature or in a large population database, indicating this variant is rare. At this time, the clinical significance of this variant is uncertain due to the absence of conclusive functional and genetic evidence.

NM_000064.4(C3):c.1325A>G (p.Gln442Arg)

Gene: C3 (complement C3; minus strand). Cytogenetic location: 19p13.3.
Variant type: single nucleotide variant.
Coding change: c.1325A>G on transcript NM_000064.4 (MANE Select); coding-DNA position 1325, A replaced by G.
Protein change: p.Gln442Arg; replaces glutamine 442 with arginine.
Molecular consequence: missense variant.
Genome position (GRCh38, 1-based): chr19:6,711,141, T>C on the plus strand (A>G on the coding strand, the complement: C3 is on the minus strand). VCF-style: chr19-6711141-T-C. GRCh37 (hg19) VCF-style: chr19-6711152-T-C.
Other names: short protein forms Q442R.
Identifiers: ClinVar variation 2633273 (VCV002633273.1), dbSNP rs2512262728, ClinGen allele CA403641121.